The following is an entry in ClinVar:

ClinVar aggregate classification (germline): Pathogenic (1 of 4 stars; one submission).

Conditions:
Rienhoff syndrome. Also called: LOEYS-DIETZ SYNDROME 5. Identifiers: MedGen C3810012, MONDO:0014262, OMIM 615582.

Submission:

Labcorp Genetics (formerly Invitae), Labcorp
Classification: Pathogenic for Rienhoff syndrome. Last evaluated: 2024-11-17. Review status: criteria provided, single submitter. Criteria: Invitae Variant Classification Sherloc (09022015). Collection method: clinical testing. Allele origin: germline.
Comment: This sequence change creates a premature translational stop signal (p.Arg44*) in the TGFB3 gene. It is expected to result in an absent or disrupted protein product. Loss-of-function variants in TGFB3 are known to be pathogenic (PMID: 25835445, 26188975). This variant is not present in population databases (gnomAD no frequency). This variant has not been reported in the literature in individuals affected with TGFB3-related conditions. Algorithms developed to predict the effect of sequence changes on RNA splicing suggest that this variant may create or strengthen a splice site. For these reasons, this variant has been classified as Pathogenic.

Literature cited by the submitters: PubMed 25835445; PubMed 26188975.

NM_003239.5(TGFB3):c.129dup (p.Arg44Ter)

Gene: TGFB3 (transforming growth factor beta 3; minus strand). Cytogenetic location: 14q24.3.
Variant type: Duplication.
Coding change: c.129dup on transcript NM_003239.5 (MANE Select); coding-DNA position 129, one base duplicated (T; older notation c.129dupT).
Protein change: p.Arg44Ter; replaces arginine 44 with a stop codon.
Molecular consequence: nonsense.
Genome position (GRCh38, 1-based): chr14:75,980,765, A duplicated on the plus strand (T on the coding strand, the reverse complement: TGFB3 is on the minus strand); the first of 2 consecutive A bases (chr14:75,980,765-75,980,766); duplicating either gives the same sequence. VCF-style (leftmost placement, unchanged base first): chr14-75980764-T-TA. GRCh37 (hg19) VCF-style: chr14-76447107-T-TA.
Other names: c.129dup, p.Arg44Ter (NM_001329938.2, NM_001329939.2); short protein forms R44*.
Identifiers: ClinVar variation 3725434 (VCV003725434.2).